The following is an entry in ClinVar:

ClinVar aggregate classification (germline): Conflicting classifications of pathogenicity. Review status: criteria provided, conflicting classifications (1 of 4 stars). 7 submissions from 6 submitters: Uncertain significance (6); Benign (1). Last evaluated 2026-10-01.

Conditions:
Familial thoracic aortic aneurysm and aortic dissection (TAAD). Also called: Thoracic aortic aneurysms and dissections. Identifiers: Orphanet 91387, MedGen C4707243, MONDO:0019625.
Aortic valve disease 1 (AOVD1). Identifiers: MedGen C3887892, MONDO:0024523, OMIM 109730.
Adams-Oliver syndrome 5 (AOS5). Identifiers: Orphanet 974, MedGen C4014970, MONDO:0014459, OMIM 616028.

Allele frequency attached by ClinVar (database versions not stated): gnomAD exomes 0.00002; gnomAD 0.00007; ExAC 0.00009; TOPMed 0.00009; 1000 Genomes Project 30x 0.00016; 1000 Genomes Project 0.00020.
gnomAD v4.1: 34 of 1,584,424 alleles (0.0021%); highest among the groups gnomAD compares: Admixed American, 0.009%; 1 homozygote.

Submissions (7):

CeGaT Center for Human Genetics Tuebingen
Classification: Uncertain significance. Last evaluated: 2026-10-01. Review status: criteria provided, single submitter. Criteria: CeGaT Center For Human Genetics Tuebingen Variant Classification Criteria Version 2. Collection method: clinical testing. Allele origin: germline. Affected: yes. Observed: 1 variant allele.

Labcorp Genetics (formerly Invitae), Labcorp
Classification: Benign for Adams-Oliver syndrome 5. Last evaluated: 2025-12-17. Review status: criteria provided, single submitter. Criteria: Invitae Variant Classification Sherloc (09022015). Collection method: clinical testing. Allele origin: germline.

Women's Health and Genetics/Laboratory Corporation of America, LabCorp
Classification: Uncertain significance. Last evaluated: 2024-08-05. Review status: criteria provided, single submitter. Criteria: LabCorp Variant Classification Summary - May 2015. Collection method: clinical testing. Allele origin: germline.
Comment: Variant summary: NOTCH1 c.4795G>A (p.Val1599Met) results in a conservative amino acid change located in the Notch, NOD domain (IPR010660) of the encoded protein sequence. Four of five in-silico tools predict a damaging effect of the variant on protein function. The variant allele was found at a frequency of 2.1e-05 in 1584424 control chromosomes in the gnomAD database, including 1 homozygote. This frequency is not significantly higher than estimated for a pathogenic variant in NOTCH1 causing Aortic Valve Disease (2.1e-05 vs 3.1e-05), allowing no conclusion about variant significance (though it does exceed the expected frequency for an Adams-Oliver disease associated variant). To our knowledge, no occurrence of c.4795G>A in individuals affected with NOTCH1-related conditions and no experimental evidence demonstrating its impact on protein function have been reported. ClinVar contains an entry for this variant (Variation ID: 580837). Based on the evidence outlined above, the variant was classified as uncertain significance.

Ambry Genetics
Classification: Uncertain significance for Familial thoracic aortic aneurysm and aortic dissection. Last evaluated: 2024-05-08. Review status: criteria provided, single submitter. Criteria: Ambry Variant Classification Scheme 2023. Collection method: clinical testing. Allele origin: germline.
Comment: The p.V1599M variant (also known as c.4795G>A), located in coding exon 26 of the NOTCH1 gene, results from a G to A substitution at nucleotide position 4795. The valine at codon 1599 is replaced by methionine, an amino acid with highly similar properties. This amino acid position is poorly conserved in available vertebrate species. In addition, this alteration is predicted to be tolerated by in silico analysis. Based on the available evidence, the clinical significance of this variant remains unclear.

Genome-Nilou Lab
Classification: Uncertain significance for Adams-Oliver syndrome 5. Last evaluated: 2022-03-15. Review status: criteria provided, single submitter. Criteria: ACMG Guidelines, 2015. Collection method: clinical testing. Allele origin: germline. Affected: no.

Genome-Nilou Lab
Classification: Uncertain significance for Aortic valve disease 1. Last evaluated: 2022-03-15. Review status: criteria provided, single submitter. Criteria: ACMG Guidelines, 2015. Collection method: clinical testing. Allele origin: germline. Affected: no.

Fulgent Genetics
Classification: Uncertain significance for Aortic valve disease 1; Adams-Oliver syndrome 5. Last evaluated: 2018-10-31. Review status: criteria provided, single submitter. Criteria: ACMG Guidelines, 2015. Collection method: clinical testing. Allele origin: unknown.

Literature cited by the submitters: PubMed 24943832 (cited by Women's Health and Genetics/Laboratory Corporation of America, LabCorp); PubMed 16614245 (cited by Women's Health and Genetics/Laboratory Corporation of America, LabCorp); PubMed 21670202 (cited by Women's Health and Genetics/Laboratory Corporation of America, LabCorp); PubMed 22210878 (cited by Women's Health and Genetics/Laboratory Corporation of America, LabCorp); PubMed 19635999 (cited by Women's Health and Genetics/Laboratory Corporation of America, LabCorp); PubMed 26837699 (cited by Women's Health and Genetics/Laboratory Corporation of America, LabCorp); PubMed 23086750 (cited by Women's Health and Genetics/Laboratory Corporation of America, LabCorp); PubMed 19245433 (cited by Women's Health and Genetics/Laboratory Corporation of America, LabCorp); PubMed 22077063 (cited by Women's Health and Genetics/Laboratory Corporation of America, LabCorp); PubMed 15472075 (cited by Women's Health and Genetics/Laboratory Corporation of America, LabCorp); PubMed 23734977 (cited by Women's Health and Genetics/Laboratory Corporation of America, LabCorp); PubMed 22858860 (cited by Women's Health and Genetics/Laboratory Corporation of America, LabCorp).

NM_017617.5(NOTCH1):c.4795G>A (p.Val1599Met)

Gene: NOTCH1 (notch receptor 1; minus strand). Cytogenetic location: 9q34.3.
Variant type: single nucleotide variant.
Coding change: c.4795G>A on transcript NM_017617.5 (MANE Select); coding-DNA position 4795, G replaced by A.
Protein change: p.Val1599Met; replaces valine 1599 with methionine.
Molecular consequence: missense variant.
Genome position (GRCh38, 1-based): chr9:136,504,896, C>T on the plus strand (G>A on the coding strand, the complement: NOTCH1 is on the minus strand). VCF-style: chr9-136504896-C-T. GRCh37 (hg19) VCF-style: chr9-139399348-C-T.
Other names: c.4795G>A, p.Val1599Met (LRG_1122t1); short protein forms V1599M.
Identifiers: ClinVar variation 580837 (VCV000580837.15), dbSNP rs543770603, ClinGen allele CA5340515.
Genomic context (GRCh38, chr9:136,504,896, plus strand): 5'-AGGGGAAGATCATCTGCTGGCCGTGTGCGTCACGCTTGAAGACCACGTTGGTGTGCAGCA[C>T]GCGGCTGAGCTCCCGCAGGAAGTGGAAGGAGCTGTTGCGCAGCTGCTCCGGCGGCATCAG-3'
Protein context (NP_060087.3, residues 1589-1609): SFHFLRELSR[Val1599Met]LHTNVVFKRD